The following is an entry in ClinVar:

ClinVar aggregate classification (germline): Uncertain significance (1 of 4 stars; one submission).

Conditions:
Inborn genetic diseases. Identifiers: MedGen C0950123, MeSH D030342.

Allele frequency attached by ClinVar (database versions not stated): TOPMed below 0.00001; gnomAD 0.00001.
gnomAD v4.1: 1 of 1,613,776 alleles (0.000062%); highest among the groups gnomAD compares: Non-Finnish European, 0.000085%; no homozygotes.

Submission:

Ambry Genetics
Classification: Uncertain significance for Inborn genetic diseases. Last evaluated: 2022-03-27. Review status: criteria provided, single submitter. Criteria: Ambry Variant Classification Scheme 2023. Collection method: clinical testing. Allele origin: germline.
Comment: The p.A1417V variant (also known as c.4250C>T), located in coding exon 30 of the LRRK2 gene, results from a C to T substitution at nucleotide position 4250. The alanine at codon 1417 is replaced by valine, an amino acid with similar properties. This amino acid position is conserved. In addition, this alteration is predicted to be tolerated by in silico analysis. Since supporting evidence is limited at this time, the clinical significance of this alteration remains unclear.

NM_198578.4(LRRK2):c.4250C>T (p.Ala1417Val)

Gene: LRRK2 (leucine rich repeat kinase 2; plus strand). Cytogenetic location: 12q12.
Variant type: single nucleotide variant.
Coding change: c.4250C>T on transcript NM_198578.4 (MANE Select); coding-DNA position 4250, C replaced by T.
Protein change: p.Ala1417Val; replaces alanine 1417 with valine.
Molecular consequence: missense variant.
Genome position (GRCh38, 1-based): chr12:40,309,166, C>T. VCF-style: chr12-40309166-C-T. GRCh37 (hg19) VCF-style: chr12-40702968-C-T.
Other names: short protein forms A1417V.
Identifiers: ClinVar variation 1739090 (VCV001739090.2), dbSNP rs1944944124, ClinGen allele CA384418093.